The following is an entry in ClinVar:

ClinVar aggregate classification (germline): Pathogenic (1 of 4 stars; one submission).

Conditions:
Neurofibromatosis, type 1 (NF1). Also called: NEUROFIBROMATOSIS, TYPE I, SOMATIC; Peripheral type neurofibromatosis; VON RECKLINGHAUSEN DISEASE; Neurofibromatosis, type I. Identifiers: Orphanet 636, MedGen C0027831, MONDO:0018975, OMIM 162200. Disease mechanism: loss of function.

Submission:

Labcorp Genetics (formerly Invitae), Labcorp
Classification: Pathogenic for Neurofibromatosis, type 1. Last evaluated: 2022-11-03. Review status: criteria provided, single submitter. Criteria: Invitae Variant Classification Sherloc (09022015). Collection method: clinical testing. Allele origin: germline.
Comment: For these reasons, this variant has been classified as Pathogenic. This variant has not been reported in the literature in individuals affected with NF1-related conditions. This variant is not present in population databases (gnomAD no frequency). This sequence change creates a premature translational stop signal (p.Val1049Leufs*13) in the NF1 gene. It is expected to result in an absent or disrupted protein product. Loss-of-function variants in NF1 are known to be pathogenic (PMID: 10712197, 23913538).

Literature cited by the submitters: PubMed 10712197; PubMed 23913538.

NM_001042492.3(NF1):c.3145del (p.Val1049fs)

Gene: NF1 (neurofibromin 1; plus strand). Cytogenetic location: 17q11.2.
Variant type: Deletion.
Coding change: c.3145del on transcript NM_001042492.3 (MANE Select); coding-DNA position 3145, one base deleted (G; older notation c.3145delG).
Protein change: p.Val1049fs; shifts the reading frame from valine 1049.
Molecular consequence: frameshift variant.
Genome position (GRCh38, 1-based): chr17:31,230,873, G deleted; the last of 3 consecutive G bases (chr17:31,230,871-31,230,873); deleting any one gives the same sequence. VCF-style (leftmost placement, unchanged base first): chr17-31230870-TG-T. GRCh37 (hg19) VCF-style: chr17-29557888-TG-T.
Other names: c.3145delG, p.Val1049Leufs (NM_000267.4); short protein forms V1049fs.
Identifiers: ClinVar variation 2809263 (VCV002809263.3), dbSNP rs2151432420, ClinGen allele CA2733616951.